The following is an entry in ClinVar:

ClinVar aggregate classification (germline): Uncertain significance. Review status: criteria provided, multiple submitters, no conflicts (2 of 4 stars). 2 submissions from 2 submitters: Uncertain significance (2). Last evaluated 2022-07-16.

Allele frequency attached by ClinVar (database versions not stated): gnomAD below 0.00001 and 0.00001; TOPMed below 0.00001; gnomAD exomes 0.00001; ExAC 0.00004.
gnomAD v4.1: 18 of 1,593,292 alleles (0.0011%); highest among the groups gnomAD compares: South Asian, 0.016%; no homozygotes.

Submissions (2):

Labcorp Genetics (formerly Invitae), Labcorp
Classification: Uncertain significance. Last evaluated: 2022-07-16. Review status: criteria provided, single submitter. Criteria: Invitae Variant Classification Sherloc (09022015). Collection method: clinical testing. Allele origin: germline.
Comment: This sequence change replaces lysine, which is basic and polar, with arginine, which is basic and polar, at codon 585 of the TRPM1 protein (p.Lys585Arg). This variant is present in population databases (rs753959724, gnomAD 0.007%). This variant has not been reported in the literature in individuals affected with TRPM1-related conditions. ClinVar contains an entry for this variant (Variation ID: 315521). Algorithms developed to predict the effect of missense changes on protein structure and function (SIFT, PolyPhen-2, Align-GVGD) all suggest that this variant is likely to be tolerated. In summary, the available evidence is currently insufficient to determine the role of this variant in disease. Therefore, it has been classified as a Variant of Uncertain Significance.

Blueprint Genetics
Classification: Uncertain significance. Last evaluated: 2022-07-14. Review status: criteria provided, single submitter. Criteria: ACMG Guidelines, 2015. Collection method: clinical testing. Allele origin: germline.

NM_001252024.2(TRPM1):c.1820A>G (p.Lys607Arg)

Gene: TRPM1 (transient receptor potential cation channel subfamily M member 1; minus strand). Cytogenetic location: 15q13.3.
Variant type: single nucleotide variant.
Coding change: c.1820A>G on transcript NM_001252024.2 (MANE Select); coding-DNA position 1820, A replaced by G.
Protein change: p.Lys607Arg; replaces lysine 607 with arginine.
Molecular consequence: missense variant.
Genome position (GRCh38, 1-based): chr15:31,042,218, T>C on the plus strand (A>G on the coding strand, the complement: TRPM1 is on the minus strand). VCF-style: chr15-31042218-T-C. GRCh37 (hg19) VCF-style: chr15-31334421-T-C.
Other names: c.1871A>G, p.Lys624Arg (NM_001252020.2); c.1754A>G, p.Lys585Arg (NM_002420.6); short protein forms K585R, K607R, K624R.
Identifiers: ClinVar variation 315521 (VCV000315521.7), dbSNP rs753959724, ClinGen allele CA7452388.